The following is an entry in ClinVar:

NM_201384.3(PLEC):c.11639C>T (p.Ala3880Val)

Gene: PLEC (plectin; minus strand). Cytogenetic location: 8q24.3.
Variant type: single nucleotide variant.
Coding change: c.11639C>T on transcript NM_201384.3 (MANE Select); coding-DNA position 11639, C replaced by T.
Protein change: p.Ala3880Val; replaces alanine 3880 with valine.
Molecular consequence: missense variant.
Genome position (GRCh38, 1-based): chr8:143,918,182, G>A on the plus strand (C>T on the coding strand, the complement: PLEC is on the minus strand). VCF-style: chr8-143918182-G-A. GRCh37 (hg19) VCF-style: chr8-144992350-G-A.
Other names: c.11573C>T, p.Ala3858Val (NM_201379.3); c.12050C>T, p.Ala4017Val (NM_201380.4); c.11543C>T, p.Ala3848Val (NM_201381.3); c.11639C>T, p.Ala3880Val (NM_201382.4); c.11651C>T, p.Ala3884Val (NM_201383.3); c.11720C>T, p.Ala3907Val (NM_000445.5); c.11597C>T, p.Ala3866Val (NM_201378.4); short protein forms A3848V, A3884V, A3907V, A3858V, A3866V, A3880V, A4017V.
Identifiers: ClinVar variation 1449947 (VCV001449947.11), dbSNP rs1554674245, ClinGen allele CA372489329.
Genomic context (GRCh38, chr8:143,918,182, plus strand): 5'-GAGCGCACCAGCTCCTCCATGGTGATCTGCTTCCGCAGGCCACGGAAGGTCAGCTTGCGG[G>A]CGTCCGACAGTGGCAGGAGCAGCTGGCCGGTGCCGTCGTCACGACGGCACCGCCTGAGCA-3'
Protein context (NP_958786.1, residues 3870-3890): TGQLLLPLSD[Ala3880Val]RKLTFRGLRK

ClinVar aggregate classification (germline): Uncertain significance (1 of 4 stars; one submission).

Conditions:
Epidermolysis bullosa simplex 5B, with muscular dystrophy (EBS5B). Also called: Epidermolysis bullosa simplex with muscular dystrophy; EPIDERMOLYSIS BULLOSA SIMPLEX AND LIMB-GIRDLE MUSCULAR DYSTROPHY. Identifiers: Orphanet 257, MedGen C2931072, MONDO:0009181, OMIM 226670.
Epidermolysis bullosa simplex, Ogna type (EBS5A). Also called: Pidermolysis bullosa simplex 5A, Ogna type; EPIDERMOLYSIS BULLOSA SIMPLEX 5A, OGNA TYPE. Identifiers: Orphanet 79401, MedGen C0432317, MONDO:0007555, OMIM 131950.
Epidermolysis bullosa simplex with nail dystrophy (EBS5D). Identifiers: MedGen C4225309, MONDO:0014661, OMIM 616487.
Epidermolysis bullosa simplex 5C, with pyloric atresia (EBS5C). Also called: Epidermolysis bullosa simplex with pyloric atresia; PLEC-Related Epidermolysis Bullosa with Pyloric Atresia; PLEC1-Related Epidermolysis Bullosa with Pyloric Atresia. Identifiers: Orphanet 158684, MedGen C2677349, MONDO:0012807, OMIM 612138.
Autosomal recessive limb-girdle muscular dystrophy type 2Q (LGMDR17). Also called: MUSCULAR DYSTROPHY, LIMB-GIRDLE, AUTOSOMAL RECESSIVE 17. Identifiers: Orphanet 254361, MedGen C3150989, MONDO:0013390, OMIM 613723.

Allele frequency attached by ClinVar (database versions not stated): gnomAD exomes below 0.00001; TOPMed below 0.00001.

Submission:

Labcorp Genetics (formerly Invitae), Labcorp
Classification: Uncertain significance for Autosomal recessive limb-girdle muscular dystrophy type 2Q; Epidermolysis bullosa simplex, Ogna type; Epidermolysis bullosa simplex with nail dystrophy; Epidermolysis bullosa simplex 5C, with pyloric atresia; Epidermolysis bullosa simplex 5B, with muscular dystrophy. Last evaluated: 2024-10-23. Review status: criteria provided, single submitter. Criteria: Invitae Variant Classification Sherloc (09022015). Collection method: clinical testing. Allele origin: germline.
Comment: This sequence change replaces alanine, which is neutral and non-polar, with valine, which is neutral and non-polar, at codon 3907 of the PLEC protein (p.Ala3907Val). The frequency data for this variant in the population databases is considered unreliable, as metrics indicate poor data quality at this position in the gnomAD database. This variant has not been reported in the literature in individuals affected with PLEC-related conditions. ClinVar contains an entry for this variant (Variation ID: 1449947). An algorithm developed to predict the effect of missense changes on protein structure and function (PolyPhen-2) suggests that this variant is likely to be disruptive. In summary, the available evidence is currently insufficient to determine the role of this variant in disease. Therefore, it has been classified as a Variant of Uncertain Significance.